The following is an entry in ClinVar:

NM_006946.4(SPTBN2):c.4961T>C (p.Met1654Thr)

Gene: SPTBN2 (spectrin beta, non-erythrocytic 2; minus strand). Cytogenetic location: 11q13.2.
Variant type: single nucleotide variant.
Coding change: c.4961T>C on transcript NM_006946.4 (MANE Select); coding-DNA position 4961, T replaced by C.
Protein change: p.Met1654Thr; replaces methionine 1654 with threonine.
Molecular consequence: missense variant.
Genome position (GRCh38, 1-based): chr11:66,692,994, A>G on the plus strand (T>C on the coding strand, the complement: SPTBN2 is on the minus strand). VCF-style: chr11-66692994-A-G. GRCh37 (hg19) VCF-style: chr11-66460465-A-G.
Other names: c.4982T>C, p.Met1661Thr (NM_001411025.1); short protein forms M1654T, M1661T.
Identifiers: ClinVar variation 1710648 (VCV001710648.3), dbSNP rs2495946863, ClinGen allele CA381468437.

ClinVar aggregate classification (germline): Likely pathogenic (1 of 4 stars; one submission).

Allele frequency attached by ClinVar (database versions not stated): gnomAD exomes below 0.00001.

Submission:

GeneDx
Classification: Likely pathogenic. Last evaluated: 2023-10-03. Review status: criteria provided, single submitter. Criteria: GeneDx Variant Classification Process June 2021. Collection method: clinical testing. Allele origin: germline. Affected: yes.
Comment: Not observed at significant frequency in large population cohorts (gnomAD); In silico analysis supports that this missense variant has a deleterious effect on protein structure/function; Has not been previously published as pathogenic or benign to our knowledge